The following is an entry in ClinVar:

ClinVar aggregate classification (germline): Benign. Review status: criteria provided, multiple submitters, no conflicts (2 of 4 stars). 2 submissions from 2 submitters: Benign (2). Last evaluated 2018-06-17.

Allele frequency attached by ClinVar (database versions not stated): gnomAD 0.07783 and 0.08221; TOPMed 0.09100; 1000 Genomes Project 0.09430; 1000 Genomes Project 30x 0.09657.
gnomAD v4.1: 20,261 of 790,137 alleles (2.6%); highest among the groups gnomAD compares: African/African-American, 25%; 1,314 homozygotes.

Submissions (2):

GeneDx
Classification: Benign. Last evaluated: 2018-06-17. Review status: criteria provided, single submitter. Criteria: GeneDx Variant Classification (06012015). Collection method: clinical testing. Allele origin: germline. Affected: yes.
Comment: This variant is considered likely benign or benign based on one or more of the following criteria: it is a conservative change, it occurs at a poorly conserved position in the protein, it is predicted to be benign by multiple in silico algorithms, and/or has population frequency not consistent with disease.

Breakthrough Genomics
Classification: Benign. Review status: criteria provided, single submitter. Criteria: ACMG Guidelines, 2015. Collection method: not provided. Allele origin: germline. Inheritance: X-linked inheritance. Affected: yes.

NM_000047.3(ARSL):c.307+144T>G

Gene: ARSL (arylsulfatase L; minus strand). Cytogenetic location: Xp22.33.
Variant type: single nucleotide variant.
Coding change: c.307+144T>G on transcript NM_000047.3 (MANE Select); 144 bases into the intron after coding-DNA position 307, T replaced by G.
Molecular consequence: intron variant.
Genome position (GRCh38, 1-based): chrX:2,955,272, A>C on the plus strand (T>G on the coding strand, the complement: ARSL is on the minus strand). VCF-style: chrX-2955272-A-C. GRCh37 (hg19) VCF-style: chrX-2873313-A-C.
Other names: c.382+144T>G (NM_001282628.2, NM_001369080.1); c.145+144T>G (NM_001282631.2); c.334+144T>G (NM_001369079.1).
Identifiers: ClinVar variation 669785 (VCV000669785.2), dbSNP rs112504868, ClinGen allele CA325984854.